The following is an entry in ClinVar:

ClinVar aggregate classification (germline): Uncertain significance. Review status: criteria provided, multiple submitters, no conflicts (2 of 4 stars). 3 submissions from 3 submitters: Uncertain significance (3). Last evaluated 2025-12-15.

Conditions:
Ehlers-Danlos syndrome, classic type, 1 (EDSCL1). Also called: EDS I; Ehlers-Danlos syndrome, type 1; EHLERS-DANLOS SYNDROME, GRAVIS TYPE; EHLERS-DANLOS SYNDROME, SEVERE CLASSIC TYPE; Ehlers-Danlos Syndrome, Classic Type, COL5A1-Related. Identifiers: MedGen C0268335, MONDO:0019567, OMIM 130000.
Familial thoracic aortic aneurysm and aortic dissection (TAAD). Also called: Thoracic aortic aneurysms and dissections. Identifiers: Orphanet 91387, MedGen C4707243, MONDO:0019625.

Allele frequency attached by ClinVar (database versions not stated): TOPMed 0.00001; gnomAD 0.00001; gnomAD exomes below 0.00001.
gnomAD v4.1: 3 of 1,614,116 alleles (0.00019%); highest among the groups gnomAD compares: Non-Finnish European, 0.00025%; no homozygotes.

Submissions (3):

Labcorp Genetics (formerly Invitae), Labcorp
Classification: Uncertain significance for Ehlers-Danlos syndrome, classic type, 1. Last evaluated: 2025-12-15. Review status: criteria provided, single submitter. Criteria: Invitae Variant Classification Sherloc (09022015). Collection method: clinical testing. Allele origin: germline.
Comment: This sequence change replaces glutamine, which is neutral and polar, with arginine, which is basic and polar, at codon 454 of the COL5A1 protein (p.Gln454Arg). This variant is not present in population databases (gnomAD no frequency). This variant has not been reported in the literature in individuals affected with COL5A1-related conditions. ClinVar contains an entry for this variant (Variation ID: 1704159). Invitae Evidence Modeling of protein sequence and biophysical properties (such as structural, functional, and spatial information, amino acid conservation, physicochemical variation, residue mobility, and thermodynamic stability) indicates that this missense variant is not expected to disrupt COL5A1 protein function with a negative predictive value of 95%. In summary, the available evidence is currently insufficient to determine the role of this variant in disease. Therefore, it has been classified as a Variant of Uncertain Significance.

Ambry Genetics
Classification: Uncertain significance for Familial thoracic aortic aneurysm and aortic dissection. Last evaluated: 2025-09-24. Review status: criteria provided, single submitter. Criteria: Ambry Variant Classification Scheme 2023. Collection method: clinical testing. Allele origin: germline.
Comment: The p.Q454R variant (also known as c.1361A>G), located in coding exon 9 of the COL5A1 gene, results from an A to G substitution at nucleotide position 1361. The glutamine at codon 454 is replaced by arginine, an amino acid with highly similar properties. This amino acid position is highly conserved in available vertebrate species. In addition, the in silico prediction for this alteration is inconclusive. Based on the available evidence, the clinical significance of this variant remains unclear.

GeneDx
Classification: Uncertain significance. Last evaluated: 2024-05-07. Review status: criteria provided, single submitter. Criteria: GeneDx Variant Classification Process June 2021. Collection method: clinical testing. Allele origin: germline. Affected: yes.
Comment: Has not been previously published as pathogenic or benign to our knowledge; Not observed at significant frequency in large population cohorts (gnomAD); In silico analysis indicates that this missense variant does not alter protein structure/function; Not located in the triple helical region, where the majority of pathogenic missense variants occur (PMID: 22696272; HGMD); This variant is associated with the following publications: (PMID: 22696272)

NM_000093.5(COL5A1):c.1361A>G (p.Gln454Arg)

Gene: COL5A1 (collagen type V alpha 1 chain; plus strand). Cytogenetic location: 9q34.3.
Variant type: single nucleotide variant.
Coding change: c.1361A>G on transcript NM_000093.5 (MANE Select); coding-DNA position 1361, A replaced by G.
Protein change: p.Gln454Arg; replaces glutamine 454 with arginine.
Molecular consequence: missense variant.
Genome position (GRCh38, 1-based): chr9:134,732,099, A>G. VCF-style: chr9-134732099-A-G. GRCh37 (hg19) VCF-style: chr9-137623945-A-G.
Other names: c.1361A>G, p.Gln454Arg (NM_001278074.1); short protein forms Q454R.
Identifiers: ClinVar variation 1704159 (VCV001704159.9), dbSNP rs1351933542, ClinGen allele CA375451515.